The following is an entry in ClinVar:

NM_198173.3(GRHL3):c.1225C>T (p.Arg409Cys)

Gene: GRHL3 (grainyhead like transcription factor 3; plus strand). Cytogenetic location: 1p36.11.
Variant type: single nucleotide variant.
Coding change: c.1225C>T on transcript NM_198173.3 (MANE Select); coding-DNA position 1225, C replaced by T.
Protein change: p.Arg409Cys; replaces arginine 409 with cysteine.
Molecular consequence: missense variant.
Genome position (GRCh38, 1-based): chr1:24,342,712, C>T. VCF-style: chr1-24342712-C-T. GRCh37 (hg19) VCF-style: chr1-24669202-C-T.
Other names: c.1087C>T, p.Arg363Cys (NM_001195010.2); c.1240C>T, p.Arg414Cys (NM_021180.4); c.1225C>T, p.Arg409Cys (NM_198174.3); c.1225C>T (NM_198173.2); short protein forms R363C, R409C, R414C.
Identifiers: ClinVar variation 496682 (VCV000496682.4), dbSNP rs770938921, ClinGen allele CA690131.

ClinVar aggregate classification (germline): Conflicting classifications of pathogenicity. Review status: criteria provided, conflicting classifications (1 of 4 stars). 3 submissions from 3 submitters: Likely pathogenic (1); Uncertain significance (2). Last evaluated 2024-11-20.

Conditions:
GRHL3-related disorder. Also called: GRHL3-related condition.
Van der Woude syndrome 1. Also called: CLEFT LIP AND/OR PALATE WITH MUCOUS CYSTS OF LOWER LIP; van der Woude Syndrome (VWS). Identifiers: MedGen C4551864, MONDO:0007333, OMIM 119300.

Allele frequency attached by ClinVar (database versions not stated): gnomAD exomes below 0.00001 and 0.00002; gnomAD 0.00001; TOPMed 0.00001; ExAC 0.00002.
gnomAD v4.1: 7 of 1,614,148 alleles (0.00043%); highest among the groups gnomAD compares: Admixed American, 0.0033%; no homozygotes.

Submissions (3):

PreventionGenetics, part of Exact Sciences
Classification: Uncertain significance for GRHL3-related condition. Last evaluated: 2024-11-20. Review status: criteria provided, single submitter. Criteria: ACMG Guidelines, 2015. Collection method: clinical testing. Allele origin: germline.
Comment: The GRHL3 c.1225C>T variant is predicted to result in the amino acid substitution p.Arg409Cys. To our knowledge, this variant has not been reported in the literature. This variant is reported in 0.0099% of alleles in individuals of Ashkenazi Jewish descent in gnomAD. At this time, the clinical significance of this variant is uncertain due to the absence of conclusive functional and genetic evidence.

GeneDx
Classification: Uncertain significance. Last evaluated: 2022-06-14. Review status: criteria provided, single submitter. Criteria: GeneDx Variant Classification Process June 2021. Collection method: clinical testing. Allele origin: germline. Affected: yes.
Comment: In silico analysis supports that this missense variant has a deleterious effect on protein structure/function; Has not been previously published as pathogenic or benign to our knowledge

Equipe Genetique des Anomalies du Developpement, Université de Bourgogne
Classification: Likely pathogenic for Van der Woude syndrome 1. Last evaluated: 2017-02-15. Review status: criteria provided, single submitter. Criteria: ACMG Guidelines, 2015. Collection method: clinical testing. Allele origin: unknown. Affected: yes.